The following is an entry in ClinVar:

ClinVar aggregate classification (germline): Conflicting classifications of pathogenicity. Review status: criteria provided, conflicting classifications (1 of 4 stars). 2 submissions from 2 submitters: Uncertain significance (1); Likely benign (1). Last evaluated 2025-05-22.

Conditions:
Hereditary pancreatitis (PCTT). Also called: Hereditary chronic pancreatitis; PRSS1-Related Hereditary Pancreatitis. Identifiers: Orphanet 676, MedGen C0238339, MONDO:0008185, OMIM 167800.

Allele frequency attached by ClinVar (database versions not stated): gnomAD exomes below 0.00001; 1000 Genomes Project 30x 0.36477.

Submissions (2):

Ambry Genetics
Classification: Likely benign for Hereditary pancreatitis. Last evaluated: 2025-05-22. Review status: criteria provided, single submitter. Criteria: Ambry Variant Classification Scheme 2023. Collection method: clinical testing. Allele origin: germline.

Labcorp Genetics (formerly Invitae), Labcorp
Classification: Uncertain significance for Hereditary pancreatitis. Last evaluated: 2024-12-12. Review status: criteria provided, single submitter. Criteria: Invitae Variant Classification Sherloc (09022015). Collection method: clinical testing. Allele origin: germline.
Comment: This sequence change replaces serine, which is neutral and polar, with threonine, which is neutral and polar, at codon 167 of the PRSS1 protein (p.Ser167Thr). The frequency data for this variant in the population databases is considered unreliable, as metrics indicate poor data quality at this position in the gnomAD database. This variant has not been reported in the literature in individuals affected with PRSS1-related conditions. ClinVar contains an entry for this variant (Variation ID: 1060308). Invitae Evidence Modeling of protein sequence and biophysical properties (such as structural, functional, and spatial information, amino acid conservation, physicochemical variation, residue mobility, and thermodynamic stability) indicates that this missense variant is not expected to disrupt PRSS1 protein function with a negative predictive value of 80%. In summary, the available evidence is currently insufficient to determine the role of this variant in disease. Therefore, it has been classified as a Variant of Uncertain Significance.

NM_002769.5(PRSS1):c.500G>C (p.Ser167Thr)

Genes: PRSS1 (serine protease 1; plus strand), TRB (T cell receptor beta locus; plus strand). Cytogenetic location: 7q34.
Variant type: single nucleotide variant.
Coding change: c.500G>C on transcript NM_002769.5 (MANE Select); coding-DNA position 500, G replaced by C.
Protein change: p.Ser167Thr; replaces serine 167 with threonine.
Molecular consequence: missense variant.
Genome position (GRCh38, 1-based): chr7:142,752,476, G>C. VCF-style: chr7-142752476-G-C. GRCh37 (hg19) VCF-style: chr7-142460327-G-C.
Other names: short protein forms S167T.
Identifiers: ClinVar variation 1060308 (VCV001060308.12), dbSNP rs1232891794, ClinGen allele CA369609542.